The following is an entry in ClinVar:

ClinVar aggregate classification (germline): Conflicting classifications of pathogenicity. Review status: no assertion criteria provided (0 of 4 stars). 2 submissions from 2 submitters: Pathogenic (1); Uncertain significance (1). Last evaluated 2018-04-26.

Conditions:
Intellectual developmental disorder, autosomal dominant 38. Also called: PSYCHOMOTOR RETARDATION, EPILEPSY, AND LANGUAGE DISABILITY SYNDROME; Intellectual disability, autosomal dominant 38. Identifiers: MedGen C4225343, MONDO:0014617, OMIM 616393.
Developmental and epileptic encephalopathy, 33 (DEE33). Also called: Epileptic encephalopathy, early infantile, 33. Identifiers: Orphanet 442835, MedGen C4225337, MONDO:0014625, OMIM 616409.

Submissions (2):

Department of Genetics, Robert DEBRE University Hospital
Classification: Uncertain significance. Last evaluated: 2018-04-26. Review status: no assertion criteria provided. Collection method: clinical testing. Allele origin: de novo. Affected: yes.

OMIM
Classification: Pathogenic for INTELLECTUAL DEVELOPMENTAL DISORDER, AUTOSOMAL DOMINANT 38. Last evaluated: 2015-04-01. Review status: no assertion criteria provided. Collection method: literature only. Allele origin: germline.

Literature cited by the submitters: PubMed 24697219 (cited by OMIM).

NM_001958.5(EEF1A2):c.754G>C (p.Asp252His)

Gene: EEF1A2 (eukaryotic translation elongation factor 1 alpha 2; minus strand). Cytogenetic location: 20q13.33.
Variant type: single nucleotide variant.
Coding change: c.754G>C on transcript NM_001958.5 (MANE Select); coding-DNA position 754, G replaced by C.
Protein change: p.Asp252His; replaces aspartic acid 252 with histidine.
Molecular consequence: missense variant.
Genome position (GRCh38, 1-based): chr20:63,493,155, C>G on the plus strand (G>C on the coding strand, the complement: EEF1A2 is on the minus strand). VCF-style: chr20-63493155-C-G. GRCh37 (hg19) VCF-style: chr20-62124508-C-G.
Other names: short protein forms D252H.
Identifiers: ClinVar variation 192251 (VCV000192251.6), dbSNP rs786205865, ClinGen allele CA200125.